The following is an entry in ClinVar:

ClinVar aggregate classification (germline): Uncertain significance (1 of 4 stars; one submission).

Conditions:
Nemaline myopathy 2 (NEM2). Also called: Nemaline myopathy 2, autosomal recessive. Identifiers: MedGen C1850569, MONDO:0009725, OMIM 256030.

Allele frequency attached by ClinVar (database versions not stated): TOPMed below 0.00001; gnomAD 0.00001; gnomAD exomes 0.00001.
gnomAD v4.1: 11 of 1,613,862 alleles (0.00068%); highest among the groups gnomAD compares: East Asian, 0.0045%; no homozygotes.

Submission:

Labcorp Genetics (formerly Invitae), Labcorp
Classification: Uncertain significance for Nemaline myopathy 2. Last evaluated: 2023-11-27. Review status: criteria provided, single submitter. Criteria: Invitae Variant Classification Sherloc (09022015). Collection method: clinical testing. Allele origin: germline.
Comment: This sequence change replaces lysine, which is basic and polar, with glutamic acid, which is acidic and polar, at codon 1127 of the NEB protein (p.Lys1127Glu). This variant is not present in population databases (gnomAD no frequency). This variant has not been reported in the literature in individuals affected with NEB-related conditions. ClinVar contains an entry for this variant (Variation ID: 1438197). Experimental studies and prediction algorithms are not available or were not evaluated, and the functional significance of this variant is currently unknown. In summary, the available evidence is currently insufficient to determine the role of this variant in disease. Therefore, it has been classified as a Variant of Uncertain Significance.

NM_001164508.2(NEB):c.3379A>G (p.Lys1127Glu)

Gene: NEB (nebulin; minus strand). Cytogenetic location: 2q23.3.
Variant type: single nucleotide variant.
Coding change: c.3379A>G on transcript NM_001164508.2 (MANE Select); coding-DNA position 3379, A replaced by G.
Protein change: p.Lys1127Glu; replaces lysine 1127 with glutamic acid.
Molecular consequence: missense variant.
Genome position (GRCh38, 1-based): chr2:151,678,064, T>C on the plus strand (A>G on the coding strand, the complement: NEB is on the minus strand). VCF-style: chr2-151678064-T-C. GRCh37 (hg19) VCF-style: chr2-152534578-T-C.
Other names: c.3379A>G, p.Lys1127Glu (NM_001164507.2, NM_001271208.2, NM_004543.5); short protein forms K1127E.
Identifiers: ClinVar variation 1438197 (VCV001438197.8), dbSNP rs1180667550, ClinGen allele CA348819247.